The following is an entry in ClinVar:

ClinVar aggregate classification (germline): Uncertain significance. Review status: criteria provided, multiple submitters, no conflicts (2 of 4 stars). 2 submissions from 2 submitters: Uncertain significance (2). Last evaluated 2019-10-25.

Allele frequency attached by ClinVar (database versions not stated): gnomAD exomes below 0.00001.

Submissions (2):

GeneDx
Classification: Uncertain significance. Last evaluated: 2019-10-25. Review status: criteria provided, single submitter. Criteria: GeneDx Variant Classification Process June 2021. Collection method: clinical testing. Allele origin: germline. Affected: yes.
Comment: Not observed at a significant frequency in large population cohorts (Lek et al., 2016); In silico analysis, which includes protein predictors and evolutionary conservation, supports a deleterious effect; Has not been previously published as pathogenic or benign to our knowledge

Breakthrough Genomics
Classification: Uncertain significance. Review status: criteria provided, single submitter. Criteria: ACMG Guidelines, 2015. Collection method: not provided. Allele origin: germline. Inheritance: Autosomal recessive inheritance. Affected: yes.

NM_021957.4(GYS2):c.734A>G (p.Glu245Gly)

Gene: GYS2 (glycogen synthase 2; minus strand). Cytogenetic location: 12p12.1.
Variant type: single nucleotide variant.
Coding change: c.734A>G on transcript NM_021957.4 (MANE Select); coding-DNA position 734, A replaced by G.
Protein change: p.Glu245Gly; replaces glutamic acid 245 with glycine.
Molecular consequence: missense variant.
Genome position (GRCh38, 1-based): chr12:21,568,954, T>C on the plus strand (A>G on the coding strand, the complement: GYS2 is on the minus strand). VCF-style: chr12-21568954-T-C. GRCh37 (hg19) VCF-style: chr12-21721888-T-C.
Other names: short protein forms E245G.
Identifiers: ClinVar variation 1309295 (VCV001309295.3), dbSNP rs1418749030, ClinGen allele CA384135610.
Genomic context (GRCh38, chr12:21,568,954, plus strand): 5'-TCTATTGCTGTTATTTCAGAAACCGTGGTGAACACGTGAGCGCAATGAACGGAAGCTCGC[T>C]CCATGCAGTACCGGTGGTAAATCTGCCTTTCCCCAGCCTCTTTGTCAATGTTAAACTGTT-3'
Protein context (NP_068776.2, residues 235-255): ERQIYHRYCM[Glu245Gly]RASVHCAHVF